The following is an entry in ClinVar:

ClinVar aggregate classification (germline): Uncertain significance (1 of 4 stars; one submission).

Submission:

Labcorp Genetics (formerly Invitae), Labcorp
Classification: Uncertain significance. Last evaluated: 2022-06-29. Review status: criteria provided, single submitter. Criteria: Invitae Variant Classification Sherloc (09022015). Collection method: clinical testing. Allele origin: germline.
Comment: In summary, the available evidence is currently insufficient to determine the role of this variant in disease. Therefore, it has been classified as a Variant of Uncertain Significance. Algorithms developed to predict the effect of missense changes on protein structure and function output the following: SIFT: "Tolerated"; PolyPhen-2: "Benign"; Align-GVGD: "Class C0". The isoleucine amino acid residue is found in multiple mammalian species, which suggests that this missense change does not adversely affect protein function. This variant has not been reported in the literature in individuals affected with PCDH15-related conditions. This variant is not present in population databases (gnomAD no frequency). This sequence change replaces methionine, which is neutral and non-polar, with isoleucine, which is neutral and non-polar, at codon 1054 of the PCDH15 protein (p.Met1054Ile).

NM_001384140.1(PCDH15):c.3162G>A (p.Met1054Ile)

Gene: PCDH15 (protocadherin related 15; minus strand). Cytogenetic location: 10q21.1.
Variant type: single nucleotide variant.
Coding change: c.3162G>A on transcript NM_001384140.1 (MANE Select); coding-DNA position 3162, G replaced by A.
Protein change: p.Met1054Ile; replaces methionine 1054 with isoleucine.
Molecular consequence: missense variant.
Genome position (GRCh38, 1-based): chr10:53,940,936, C>T on the plus strand (G>A on the coding strand, the complement: PCDH15 is on the minus strand). VCF-style: chr10-53940936-C-T. GRCh37 (hg19) VCF-style: chr10-55700696-C-T.
Other names: c.3177G>A, p.Met1059Ile (NM_001142763.2, NM_001142771.2); c.3162G>A, p.Met1054Ile (NM_001142764.2, NM_001142766.2, NM_001142770.3 and 4 more transcripts); c.2949G>A, p.Met983Ile (NM_001142765.2); c.3051G>A, p.Met1017Ile (NM_001142767.2); c.3096G>A, p.Met1032Ile (NM_001142768.2, NM_001142773.2, NM_001354404.2); c.3198G>A, p.Met1066Ile (NM_001142769.4); c.3183G>A, p.Met1061Ile (NM_001354411.2); short protein forms M1017I, M1066I, M983I, M1032I, M1054I, M1059I, M1061I.
Identifiers: ClinVar variation 2012189 (VCV002012189.4), dbSNP rs2494644575, ClinGen allele CA376517679.